The following is an entry in ClinVar:

NM_001376.5(DYNC1H1):c.1678G>A (p.Val560Met)

Gene: DYNC1H1 (dynein cytoplasmic 1 heavy chain 1; plus strand). Cytogenetic location: 14q32.31.
Variant type: single nucleotide variant.
Coding change: c.1678G>A on transcript NM_001376.5 (MANE Select); coding-DNA position 1678, G replaced by A.
Protein change: p.Val560Met; replaces valine 560 with methionine.
Molecular consequence: missense variant.
Genome position (GRCh38, 1-based): chr14:101,985,903, G>A. VCF-style: chr14-101985903-G-A. GRCh37 (hg19) VCF-style: chr14-102452240-G-A.
Other names: short protein forms V560M.
Identifiers: ClinVar variation 844512 (VCV000844512.9), dbSNP rs2047931446, ClinGen allele CA391018968.

ClinVar aggregate classification (germline): Pathogenic (1 of 4 stars; one submission).

Conditions:
Charcot-Marie-Tooth disease axonal type 2O. Also called: CHARCOT-MARIE-TOOTH DISEASE, AXONAL, AUTOSOMAL DOMINANT, TYPE 2O; CHARCOT-MARIE-TOOTH NEUROPATHY, AXONAL, TYPE 2O; Charcot-Marie-Tooth disease, axonal, type 20; Charcot-Marie-Tooth Neuropathy Type 2O. Identifiers: Orphanet 284232, MedGen C3280220, MONDO:0013644, OMIM 614228.

Submission:

Labcorp Genetics (formerly Invitae), Labcorp
Classification: Pathogenic for Charcot-Marie-Tooth disease axonal type 2O. Last evaluated: 2020-06-06. Review status: criteria provided, single submitter. Criteria: Invitae Variant Classification Sherloc (09022015). Collection method: clinical testing. Allele origin: germline.
Comment: This sequence change replaces valine with methionine at codon 560 of the DYNC1H1 protein (p.Val560Met). The valine residue is highly conserved and there is a small physicochemical difference between valine and methionine. This variant is not present in population databases (ExAC no frequency). This variant has been observed in individual(s) with clinical features of Charcot-Marie-Tooth disease (Invitae). In at least one individual the variant was observed to be de novo. Algorithms developed to predict the effect of missense changes on protein structure and function are either unavailable or do not agree on the potential impact of this missense change (SIFT: "Deleterious"; PolyPhen-2: "Probably Damaging"; Align-GVGD: "Class C0"). For these reasons, this variant has been classified as Pathogenic.